The following is an entry in ClinVar:

ClinVar aggregate classification (germline): Uncertain significance. Review status: criteria provided, multiple submitters, no conflicts (2 of 4 stars). 3 submissions from 3 submitters: Uncertain significance (3). Last evaluated 2024-11-25.

Conditions:
Hereditary cancer-predisposing syndrome. Also called: Neoplastic Syndromes, Hereditary; Tumor predisposition; Hereditary neoplastic syndrome; Hereditary Cancer Syndrome. Identifiers: Orphanet 140162, MedGen C0027672, MeSH D009386, MONDO:0015356.
Tuberous sclerosis 2 (TSC2). Identifiers: Orphanet 805, MedGen C1860707, MONDO:0013199, OMIM 613254.

Allele frequency attached by ClinVar (database versions not stated): TOPMed below 0.00001; gnomAD 0.00001.
gnomAD v4.1: 1 of 1,613,672 alleles (0.000062%); highest among the groups gnomAD compares: African/African-American, 0.0013%; no homozygotes.

Submissions (3):

Labcorp Genetics (formerly Invitae), Labcorp
Classification: Uncertain significance for Tuberous sclerosis 2. Last evaluated: 2024-11-25. Review status: criteria provided, single submitter. Criteria: Invitae Variant Classification Sherloc (09022015). Collection method: clinical testing. Allele origin: germline.
Comment: This sequence change replaces aspartic acid, which is acidic and polar, with tyrosine, which is neutral and polar, at codon 907 of the TSC2 protein (p.Asp907Tyr). This variant is present in population databases (no rsID available, gnomAD 0.01%). This missense change has been observed in individual(s) with breast cancer (PMID: 36315513). ClinVar contains an entry for this variant (Variation ID: 467959). Invitae Evidence Modeling of protein sequence and biophysical properties (such as structural, functional, and spatial information, amino acid conservation, physicochemical variation, residue mobility, and thermodynamic stability) indicates that this missense variant is not expected to disrupt TSC2 protein function with a negative predictive value of 95%. RNA analysis performed to evaluate the impact of this missense change on mRNA splicing indicates it does not significantly alter splicing (internal data). In summary, the available evidence is currently insufficient to determine the role of this variant in disease. Therefore, it has been classified as a Variant of Uncertain Significance.

Ambry Genetics
Classification: Uncertain significance for Hereditary cancer-predisposing syndrome. Last evaluated: 2024-03-26. Review status: criteria provided, single submitter. Criteria: Ambry Variant Classification Scheme 2023. Collection method: clinical testing. Allele origin: germline.
Comment: The p.D907Y variant (also known as c.2719G>T), located in coding exon 23 of the TSC2 gene, results from a G to T substitution at nucleotide position 2719. The aspartic acid at codon 907 is replaced by tyrosine, an amino acid with highly dissimilar properties. This amino acid position is highly conserved in available vertebrate species. In addition, this alteration is predicted to be deleterious by in silico analysis. Based on the available evidence, the clinical significance of this alteration remains unclear.

GeneDx
Classification: Uncertain significance. Last evaluated: 2023-12-22. Review status: criteria provided, single submitter. Criteria: GeneDx Variant Classification Process June 2021. Collection method: clinical testing. Allele origin: germline.
Comment: Observed in an individual with breast cancer (PMID: 36315513); In silico analysis supports that this missense variant has a deleterious effect on protein structure/function; In silico analysis is inconclusive as to whether the variant alters gene splicing. In the absence of RNA/functional studies, the actual effect of this sequence change is unknown.; This variant is associated with the following publications: (PMID: 36315513)

Literature cited by the submitters: PubMed 36315513 (cited by Labcorp Genetics (formerly Invitae), Labcorp).

NM_000548.5(TSC2):c.2719G>T (p.Asp907Tyr)

Gene: TSC2 (TSC complex subunit 2; plus strand). Cytogenetic location: 16p13.3.
Variant type: single nucleotide variant.
Coding change: c.2719G>T on transcript NM_000548.5 (MANE Select); coding-DNA position 2719, G replaced by T.
Protein change: p.Asp907Tyr; replaces aspartic acid 907 with tyrosine.
Molecular consequence: missense variant.
Genome position (GRCh38, 1-based): chr16:2,076,147, G>T. VCF-style: chr16-2076147-G-T. GRCh37 (hg19) VCF-style: chr16-2126148-G-T.
Other names: c.2719G>T, p.Asp907Tyr (NM_001077183.3, NM_001114382.3, NM_001363528.2 and 3 more transcripts); c.2608G>T, p.Asp870Tyr (NM_001318827.2); c.2572G>T, p.Asp858Tyr (NM_001318829.2); c.2119G>T, p.Asp707Tyr (NM_001318831.2); c.2752G>T, p.Asp918Tyr (NM_001318832.2); short protein forms D907Y, D707Y, D918Y, D870Y, D858Y.
Identifiers: ClinVar variation 467959 (VCV000467959.13), dbSNP rs1287273870, ClinGen allele CA394279516.